The following is an entry in ClinVar:

ClinVar aggregate classification (germline): Uncertain significance (1 of 4 stars; one submission).

Allele frequency attached by ClinVar (database versions not stated): TOPMed below 0.00001; gnomAD 0.00001; gnomAD exomes 0.00001.
gnomAD v4.1: 14 of 1,614,104 alleles (0.00087%); highest among the groups gnomAD compares: Non-Finnish European, 0.0011%; no homozygotes.

Submission:

Labcorp Genetics (formerly Invitae), Labcorp
Classification: Uncertain significance. Last evaluated: 2023-09-10. Review status: criteria provided, single submitter. Criteria: Invitae Variant Classification Sherloc (09022015). Collection method: clinical testing. Allele origin: germline.
Comment: Algorithms developed to predict the effect of missense changes on protein structure and function output the following: SIFT: "Not Available"; PolyPhen-2: "Benign"; Align-GVGD: "Not Available". The proline amino acid residue is found in multiple mammalian species, which suggests that this missense change does not adversely affect protein function. In summary, the available evidence is currently insufficient to determine the role of this variant in disease. Therefore, it has been classified as a Variant of Uncertain Significance. This variant has not been reported in the literature in individuals affected with OAS1-related conditions. This variant is not present in population databases (gnomAD no frequency). This sequence change replaces leucine, which is neutral and non-polar, with proline, which is neutral and non-polar, at codon 346 of the OAS1 protein (p.Leu346Pro).

NM_016816.4(OAS1):c.1037T>C (p.Leu346Pro)

Gene: OAS1 (2'-5'-oligoadenylate synthetase 1; plus strand). Cytogenetic location: 12q24.13.
Variant type: single nucleotide variant.
Coding change: c.1037T>C on transcript NM_016816.4 (MANE Select); coding-DNA position 1037, T replaced by C.
Protein change: p.Leu346Pro; replaces leucine 346 with proline.
Molecular consequence: missense variant. On other transcripts: non-coding transcript variant (9).
Genome position (GRCh38, 1-based): chr12:112,917,699, T>C. VCF-style: chr12-112917699-T-C. GRCh37 (hg19) VCF-style: chr12-113355504-T-C.
Other names: c.1037T>C, p.Leu346Pro (NM_001032409.3, NM_001320151.2, NM_001406022.1 and 2 more transcripts); c.1013T>C, p.Leu338Pro (NM_001406020.1, NM_001406021.1, NM_001406023.1 and 2 more transcripts); c.563T>C, p.Leu188Pro (NM_001406026.1, NM_001406027.1, NM_001406029.1 and 1 more transcripts); short protein forms L188P, L338P, L346P.
Identifiers: ClinVar variation 2808369 (VCV002808369.3), dbSNP rs752971398, ClinGen allele CA243753299.